The following is an entry in ClinVar:

NM_002693.3(POLG):c.641C>T (p.Ala214Val)

Genes: POLG (DNA polymerase gamma, catalytic subunit; minus strand), POLGARF (POLG alternative reading frame; minus strand). Cytogenetic location: 15q26.1.
Variant type: single nucleotide variant.
Coding change: c.641C>T on transcript NM_002693.3 (MANE Select); coding-DNA position 641, C replaced by T.
Protein change: p.Ala214Val; replaces alanine 214 with valine.
Molecular consequence: missense variant.
Genome position (GRCh38, 1-based): chr15:89,333,114, G>A on the plus strand (C>T on the coding strand, the complement: POLG is on the minus strand). VCF-style: chr15-89333114-G-A. GRCh37 (hg19) VCF-style: chr15-89876345-G-A.
Other names: c.641C>T, p.Ala214Val (NM_001126131.2); short protein forms A214V.
Identifiers: ClinVar variation 405572 (VCV000405572.16), dbSNP rs948866053, ClinGen allele CA16614585.
Genomic context (GRCh38, chr15:89,333,114, plus strand): 5'-GCCCCCATGCCTGCTTATGTCCCCAACCCTGCCCCTACTTACCAGGCCGAGGGGGATATG[G>A]CCACCGCCAATGTGGGGCAAGTTCCCTCTGCCAAGCAGACCTCCACGTCGAACACCAGGG-3'
Protein context (NP_002684.1, residues 204-224): AEGTCPTLAV[Ala214Val]ISPSAWYSWC

ClinVar aggregate classification (germline): Uncertain significance. Review status: criteria provided, multiple submitters, no conflicts (2 of 4 stars). 6 submissions from 6 submitters: Uncertain significance (6). Last evaluated 2025-12-09.

Conditions:
POLG-related disorder. Also called: POLG-Related Spectrum Disorders; POLG-related condition; POLG-Related Disorders. Identifiers: MedGen C4763519.
Primary progressive multiple sclerosis. Identifiers: MedGen C0751964, MONDO:0000451.
Mitochondrial DNA depletion syndrome. Also called: mitochondrial DNA depletion. Identifiers: Orphanet 35698, MedGen C0342782, MONDO:0018158.
Inborn genetic diseases. Identifiers: MedGen C0950123, MeSH D030342.
Progressive sclerosing poliodystrophy (MTDPS4A). Also called: ALPERS PROGRESSIVE INFANTILE POLIODYSTROPHY; NEURONAL DEGENERATION OF CHILDHOOD WITH LIVER DISEASE, PROGRESSIVE; Alpers Syndrome; ALPERS DIFFUSE DEGENERATION OF CEREBRAL GRAY MATTER WITH HEPATIC CIRRHOSIS; Alpers-Huttenlocher Syndrome; Mitochondrial DNA Depletion Syndrome 4A. Identifiers: Orphanet 726, MedGen C0205710, MONDO:0008758, OMIM 203700.

Allele frequency attached by ClinVar (database versions not stated): gnomAD exomes 0.00001; TOPMed 0.00001.
gnomAD v4.1: 15 of 1,521,240 alleles (0.00099%); highest among the groups gnomAD compares: Non-Finnish European, 0.0011%; no homozygotes.

Submissions (6):

Myriad Genetics, Inc.
Classification: Uncertain significance for POLG-related disorder. Last evaluated: 2025-12-09. Review status: criteria provided, single submitter. Criteria: Myriad Autosomal Dominant, Autosomal Recessive and X-Linked Classification Criteria (2023). Collection method: clinical testing. Allele origin: unknown.
Comment: NM_002693.2(POLG):c.641C>T(A214V) is a missense variant classified as a variant of uncertain significance in the context of POLG-related disorders. A214V has been observed in a case with relevant disease (PMID: 39333051). Relevant functional assessments of this variant are not available in the literature. A214V has not been observed in referenced population frequency databases. In summary, there is insufficient evidence to classify NM_002693.2(POLG):c.641C>T(A214V) as pathogenic or benign. Please note: this variant was assessed in the context of healthy population screening.

Labcorp Genetics (formerly Invitae), Labcorp
Classification: Uncertain significance for Progressive sclerosing poliodystrophy. Last evaluated: 2025-07-20. Review status: criteria provided, single submitter. Criteria: Invitae Variant Classification Sherloc (09022015). Collection method: clinical testing. Allele origin: germline.
Comment: This sequence change replaces alanine, which is neutral and non-polar, with valine, which is neutral and non-polar, at codon 214 of the POLG protein (p.Ala214Val). This variant is not present in population databases (gnomAD no frequency). This variant has not been reported in the literature in individuals affected with POLG-related conditions. ClinVar contains an entry for this variant (Variation ID: 405572). Invitae Evidence Modeling of protein sequence and biophysical properties (such as structural, functional, and spatial information, amino acid conservation, physicochemical variation, residue mobility, and thermodynamic stability) indicates that this missense variant is expected to disrupt POLG protein function with a positive predictive value of 95%. In summary, the available evidence is currently insufficient to determine the role of this variant in disease. Therefore, it has been classified as a Variant of Uncertain Significance.

Blueprint Genetics
Classification: Uncertain significance. Last evaluated: 2024-02-07. Review status: criteria provided, single submitter. Criteria: ACMG Guidelines, 2015. Collection method: clinical testing. Allele origin: germline.

Ambry Genetics
Classification: Uncertain significance for Inborn genetic diseases. Last evaluated: 2023-04-12. Review status: criteria provided, single submitter. Criteria: Ambry Variant Classification Scheme 2023. Collection method: clinical testing. Allele origin: germline.

GeneDx
Classification: Uncertain significance. Last evaluated: 2022-07-19. Review status: criteria provided, single submitter. Criteria: GeneDx Variant Classification Process June 2021. Collection method: clinical testing. Allele origin: germline. Affected: yes.
Comment: Not observed at significant frequency in large population cohorts (gnomAD); In silico analysis supports that this missense variant has a deleterious effect on protein structure/function; Has not been previously published as pathogenic or benign to our knowledge

Undiagnosed Diseases Network, NIH
Classification: Uncertain significance for Primary progressive multiple sclerosis; Mitochondrial DNA depletion syndrome. Last evaluated: 2016-01-28. Review status: criteria provided, single submitter. Criteria: ACMG Guidelines, 2015. Collection method: clinical testing. Allele origin: unknown. Affected: yes. Observed: 1 compound heterozygote.

Literature cited by the submitters: PubMed 39333051 (cited by Myriad Genetics, Inc.).